The following is an entry in ClinVar:

ClinVar aggregate classification (germline): Likely benign (0 of 4 stars; one submission).

Conditions:
EPS8L2-related disorder. Also called: EPS8L2-related condition.

Submission:

PreventionGenetics, part of Exact Sciences
Classification: Likely benign for EPS8L2-related condition. Last evaluated: 2021-06-22. Review status: no assertion criteria provided. Collection method: clinical testing. Allele origin: germline.
Comment: This variant is classified as likely benign based on ACMG/AMP sequence variant interpretation guidelines (Richards et al. 2015 PMID: 25741868, with internal and published modifications).

NM_022772.4(EPS8L2):c.241C>T (p.Leu81=)

Gene: EPS8L2 (EPS8 signaling adaptor L2; plus strand). Cytogenetic location: 11p15.5.
Variant type: single nucleotide variant.
Coding change: c.241C>T on transcript NM_022772.4 (MANE Select); coding-DNA position 241, C replaced by T.
Protein change: p.Leu81=; no amino-acid change (leucine 81 retained).
Molecular consequence: synonymous variant.
Genome position (GRCh38, 1-based): chr11:720,137, C>T. VCF-style: chr11-720137-C-T. GRCh37 (hg19) VCF-style: chr11-720137-C-T.
Identifiers: ClinVar variation 3029483 (VCV003029483.2), dbSNP rs911217612, ClinGen allele CA216938588.